The following is an entry in ClinVar:

ClinVar aggregate classification (germline): Likely benign. Review status: criteria provided, multiple submitters, no conflicts (2 of 4 stars). 3 submissions from 3 submitters: Likely benign (3). Last evaluated 2026-03-04.

Conditions:
CNNM4-related disorder. Also called: CNNM4-related condition.

Allele frequency attached by ClinVar (database versions not stated): gnomAD exomes 0.00002 and 0.00004; ExAC 0.00006; ESP Exome Variant Server 0.00015; gnomAD 0.00023 and 0.00026; TOPMed 0.00027.
gnomAD v4.1: 67 of 1,613,578 alleles (0.0042%); highest among the groups gnomAD compares: African/African-American, 0.076%; 1 homozygote.

Submissions (3):

PreventionGenetics, part of Exact Sciences
Classification: Likely benign for CNNM4-related condition. Last evaluated: 2026-03-04. Review status: criteria provided, single submitter. Criteria: ACMG Guidelines, 2015. Collection method: clinical testing. Allele origin: germline.
Comment: This variant is classified as likely benign based on ACMG/AMP sequence variant interpretation guidelines (Richards et al. 2015 PMID: 25741868, with internal and published modifications).

Labcorp Genetics (formerly Invitae), Labcorp
Classification: Likely benign. Last evaluated: 2025-11-25. Review status: criteria provided, single submitter. Criteria: Invitae Variant Classification Sherloc (09022015). Collection method: clinical testing. Allele origin: germline.

Blueprint Genetics
Classification: Likely benign. Last evaluated: 2022-07-29. Review status: criteria provided, single submitter. Criteria: ACMG Guidelines, 2015. Collection method: clinical testing. Allele origin: germline.

NM_020184.4(CNNM4):c.1431G>A (p.Lys477=)

Gene: CNNM4 (cyclin and CBS domain divalent metal cation transport mediator 4; plus strand). Cytogenetic location: 2q11.2.
Variant type: single nucleotide variant.
Coding change: c.1431G>A on transcript NM_020184.4 (MANE Select); coding-DNA position 1431, G replaced by A.
Protein change: p.Lys477=; no amino-acid change (lysine 477 retained).
Molecular consequence: synonymous variant.
Genome position (GRCh38, 1-based): chr2:96,797,040, G>A. VCF-style: chr2-96797040-G-A. GRCh37 (hg19) VCF-style: chr2-97462777-G-A.
Other names: c.1431G>A (NM_020184.3).
Identifiers: ClinVar variation 1090843 (VCV001090843.11), dbSNP rs139574416, ClinGen allele CA1783360.